The following is an entry in ClinVar:

ClinVar aggregate classification (germline): Likely pathogenic. Review status: criteria provided, multiple submitters, no conflicts (2 of 4 stars). 3 submissions from 3 submitters: Likely pathogenic (3). Last evaluated 2025-02-12.

Conditions:
Hereditary breast ovarian cancer syndrome. Also called: Hereditary breast and ovarian cancer; Hereditary breast and ovarian cancer syndrome (HBOC); Hereditary breast and ovarian cancer syndrome; Breast and ovarian cancer; Hereditary breast and/or ovarian cancer syndrome; BRCA1- and BRCA2-Associated Hereditary Breast and Ovarian Cancer. Identifiers: Orphanet 145, MedGen C0677776, MeSH D061325, MONDO:0003582. Disease mechanism: loss of function.

Submissions (3):

Labcorp Genetics (formerly Invitae), Labcorp
Classification: Likely pathogenic for Hereditary breast ovarian cancer syndrome. Last evaluated: 2025-02-12. Review status: criteria provided, single submitter. Criteria: Invitae Variant Classification Sherloc (09022015). Collection method: clinical testing. Allele origin: germline.
Comment: This sequence change affects an acceptor splice site in intron 9 of the BRCA2 gene. It is expected to disrupt RNA splicing. Variants that disrupt the donor or acceptor splice site typically lead to a loss of protein function (PMID: 16199547), and loss-of-function variants in BRCA2 are known to be pathogenic (PMID: 20104584). This variant is present in population databases (no rsID available, gnomAD 0.003%). This variant has not been reported in the literature in individuals affected with BRCA2-related conditions. ClinVar contains an entry for this variant (Variation ID: 3340192). Algorithms developed to predict the effect of sequence changes on RNA splicing suggest that this variant may disrupt the consensus splice site. In summary, the currently available evidence indicates that the variant is pathogenic, but additional data are needed to prove that conclusively. Therefore, this variant has been classified as Likely Pathogenic.

German Consortium for Hereditary Breast and Ovarian Cancer, University Hospital Cologne
Classification: Likely pathogenic for Hereditary breast ovarian cancer syndrome. Last evaluated: 2024-07-08. Review status: criteria provided, single submitter. Criteria: ClinGen BRCA2 V1.1.0. Collection method: curation. Allele origin: germline.
Comment: According to the ClinGen ENIGMA BRCA2 v1.1.0 criteria we chose these criteria: PVS1 (very strong pathogenic): PTC_NMD predicted, PM2 (supporting pathogenic): not in GnomAD

GeneDx
Classification: Likely pathogenic. Last evaluated: 2023-12-13. Review status: criteria provided, single submitter. Criteria: GeneDx Variant Classification Process June 2021. Collection method: clinical testing. Allele origin: germline. Affected: yes.
Comment: Canonical splice site variant predicted to result in a null allele in a gene for which loss of function is a known mechanism of disease; Not observed at significant frequency in large population cohorts (gnomAD); Has not been previously published as pathogenic or benign to our knowledge; Also known as 1022-1G>A; This variant is associated with the following publications: (PMID: 29202330, 37371673)

Literature cited by the submitters: PubMed 16199547 (cited by Labcorp Genetics (formerly Invitae), Labcorp); PubMed 20104584 (cited by Labcorp Genetics (formerly Invitae), Labcorp).

NM_000059.4(BRCA2):c.794-1G>A

Gene: BRCA2 (BRCA2 DNA repair associated; plus strand). Cytogenetic location: 13q13.1.
Variant type: single nucleotide variant.
Coding change: c.794-1G>A on transcript NM_000059.4 (MANE Select); the canonical splice acceptor site of the intron before coding-DNA position 794, G replaced by A.
Molecular consequence: splice acceptor variant. On other transcripts: intron variant (1).
Genome position (GRCh38, 1-based): chr13:32,332,271, G>A. VCF-style: chr13-32332271-G-A. GRCh37 (hg19) VCF-style: chr13-32906408-G-A.
Other names: c.794-1G>A (NM_001432077.1, NM_001406720.1, NM_001406719.1 and 1 more transcripts); c.424+1241G>A (NM_001406722.1).
Identifiers: ClinVar variation 3340192 (VCV003340192.3).